The following is an entry in ClinVar:

NM_016216.4(DBR1):c.847A>G (p.Ile283Val)

Gene: DBR1 (debranching RNA lariats 1; minus strand). Cytogenetic location: 3q22.3.
Variant type: single nucleotide variant.
Coding change: c.847A>G on transcript NM_016216.4 (MANE Select); coding-DNA position 847, A replaced by G.
Protein change: p.Ile283Val; replaces isoleucine 283 with valine.
Molecular consequence: missense variant.
Genome position (GRCh38, 1-based): chr3:138,163,443, T>C on the plus strand (A>G on the coding strand, the complement: DBR1 is on the minus strand). VCF-style: chr3-138163443-T-C. GRCh37 (hg19) VCF-style: chr3-137882285-T-C.
Other names: c.847A>G (NM_016216.3); short protein forms I283V.
Identifiers: ClinVar variation 2172471 (VCV002172471.2), dbSNP rs137893418, ClinGen allele CA2635768.
Genomic context (GRCh38, chr3:138,163,443, plus strand): 5'-ACAGGCGCCCAGTCACATTAATAAGATCATCCGTAGCCCTGAGAATAGTGAGCCATTCAA[T>C]ATCATATTCCAAGTAATCAGGAGCACTGGGGTCATGTTCTATCTCTAATATCTACAGGAT-3'
Protein context (NP_057300.2, residues 273-293): PSAPDYLEYD[Ile283Val]EWLTILRATD

ClinVar aggregate classification (germline): Uncertain significance. Review status: criteria provided, multiple submitters, no conflicts (2 of 4 stars). 2 submissions from 2 submitters: Uncertain significance (2). Last evaluated 2022-10-05.

Conditions:
Inborn genetic diseases. Identifiers: MedGen C0950123, MeSH D030342.

Allele frequency attached by ClinVar (database versions not stated): ExAC 0.00003; gnomAD exomes 0.00006; gnomAD 0.00008; TOPMed 0.00008; ESP Exome Variant Server 0.00015.
gnomAD v4.1: 97 of 1,612,324 alleles (0.006%); highest among the groups gnomAD compares: Non-Finnish European, 0.0077%; no homozygotes.

Submissions (2):

Ambry Genetics
Classification: Uncertain significance for Inborn genetic diseases. Last evaluated: 2022-10-05. Review status: criteria provided, single submitter. Criteria: Ambry Variant Classification Scheme 2023. Collection method: clinical testing. Allele origin: germline.

Labcorp Genetics (formerly Invitae), Labcorp
Classification: Uncertain significance. Last evaluated: 2022-09-12. Review status: criteria provided, single submitter. Criteria: Invitae Variant Classification Sherloc (09022015). Collection method: clinical testing. Allele origin: germline.
Comment: This sequence change replaces isoleucine, which is neutral and non-polar, with valine, which is neutral and non-polar, at codon 283 of the DBR1 protein (p.Ile283Val). This variant is present in population databases (rs137893418, gnomAD 0.007%). This variant has not been reported in the literature in individuals affected with DBR1-related conditions. Algorithms developed to predict the effect of missense changes on protein structure and function output the following: SIFT: "Tolerated"; PolyPhen-2: "Benign"; Align-GVGD: "Class C0". The valine amino acid residue is found in multiple mammalian species, which suggests that this missense change does not adversely affect protein function. In summary, the available evidence is currently insufficient to determine the role of this variant in disease. Therefore, it has been classified as a Variant of Uncertain Significance.